The following is an entry in ClinVar:

NM_003442.6(ZNF143):c.1624A>T (p.Ile542Phe)

Gene: ZNF143 (zinc finger protein 143; plus strand). Cytogenetic location: 11p15.4.
Variant type: single nucleotide variant.
Coding change: c.1624A>T on transcript NM_003442.6 (MANE Select); coding-DNA position 1624, A replaced by T.
Protein change: p.Ile542Phe; replaces isoleucine 542 with phenylalanine.
Molecular consequence: missense variant.
Genome position (GRCh38, 1-based): chr11:9,516,300, A>T. VCF-style: chr11-9516300-A-T. GRCh37 (hg19) VCF-style: chr11-9537847-A-T.
Other names: c.1621A>T, p.Ile541Phe (NM_001282656.2); c.1531A>T, p.Ile511Phe (NM_001282657.2); short protein forms I541F, I511F, I542F.
Identifiers: ClinVar variation 4773927 (VCV004773927.1).

ClinVar aggregate classification (germline): Uncertain significance (1 of 4 stars; one submission).

gnomAD v4.1: 1 of 1,614,130 alleles (0.000062%); highest among the groups gnomAD compares: Admixed American, 0.0017%; no homozygotes.

Submission:

Labcorp Genetics (formerly Invitae), Labcorp
Classification: Uncertain significance. Last evaluated: 2025-12-24. Review status: criteria provided, single submitter. Criteria: Invitae Variant Classification Sherloc (09022015). Collection method: clinical testing. Allele origin: germline.
Comment: This sequence change replaces isoleucine, which is neutral and non-polar, with phenylalanine, which is neutral and non-polar, at codon 542 of the ZNF143 protein (p.Ile542Phe). This variant is present in population databases (no rsID available, gnomAD 0.003%). This variant has not been reported in the literature in individuals affected with ZNF143-related conditions. An algorithm developed to predict the effect of missense changes on protein structure and function (PolyPhen-2) suggests that this variant is likely to be tolerated. In summary, the available evidence is currently insufficient to determine the role of this variant in disease. Therefore, it has been classified as a Variant of Uncertain Significance.